The following is an entry in ClinVar:

ClinVar aggregate classification (germline): Uncertain significance (1 of 4 stars; one submission).

gnomAD v4.1: 1 of 1,614,126 alleles (0.000062%); highest among the groups gnomAD compares: Non-Finnish European, 0.000085%; no homozygotes.

Submission:

GeneDx
Classification: Uncertain significance. Last evaluated: 2025-07-15. Review status: criteria provided, single submitter. Criteria: GeneDx Variant Classification Process June 2021. Collection method: clinical testing. Allele origin: germline. Affected: yes.
Comment: Not observed at significant frequency in large population cohorts (gnomAD); In silico analysis suggests that this missense variant does not alter protein structure/function; Has not been previously published as pathogenic or benign to our knowledge

NM_006734.4(HIVEP2):c.2189C>T (p.Pro730Leu)

Gene: HIVEP2 (HIVEP zinc finger 2; minus strand). Cytogenetic location: 6q24.2.
Variant type: single nucleotide variant.
Coding change: c.2189C>T on transcript NM_006734.4 (MANE Select); coding-DNA position 2189, C replaced by T.
Protein change: p.Pro730Leu; replaces proline 730 with leucine.
Molecular consequence: missense variant.
Genome position (GRCh38, 1-based): chr6:142,772,550, G>A on the plus strand (C>T on the coding strand, the complement: HIVEP2 is on the minus strand). VCF-style: chr6-142772550-G-A. GRCh37 (hg19) VCF-style: chr6-143093687-G-A.
Other names: c.2189C>T, p.Pro730Leu (NM_001438449.1, NM_001438450.1, NM_001438451.1); short protein forms P730L.
Identifiers: ClinVar variation 4686472 (VCV004686472.1).